The following is an entry in ClinVar:

NM_001077350.3(NPRL3):c.310C>A (p.Leu104Met)

Genes: HBA-LCR (alpha-globin locus control region; plus strand), NPRL3 (NPR3 like, GATOR1 complex subunit; minus strand). Cytogenetic location: 16p13.3.
Variant type: single nucleotide variant.
Coding change: c.310C>A on transcript NM_001077350.3 (MANE Select); coding-DNA position 310, C replaced by A.
Protein change: p.Leu104Met; replaces leucine 104 with methionine.
Molecular consequence: missense variant. On other transcripts: intron variant (1).
Genome position (GRCh38, 1-based): chr16:119,134, G>T on the plus strand (C>A on the coding strand, the complement: NPRL3 is on the minus strand). VCF-style: chr16-119134-G-T. GRCh37 (hg19) VCF-style: chr16-169133-G-T.
Other names: c.76C>A, p.Leu26Met (NM_001243247.2); c.310C>A, p.Leu104Met (NM_001243248.2, NM_001243249.2); c.-144-6359C>A (NM_001039476.3); short protein forms L26M, L104M.
Identifiers: ClinVar variation 863786 (VCV000863786.8), dbSNP rs1900177602, ClinGen allele CA393995186.
Genomic context (GRCh38, chr16:119,134, plus strand): 5'-GGAGAGCCACATCTGCCCAGGGAGAGCCCCACCTGCCCAGGGAGAGCCATACCTGCCCCA[G>T]AGCATGCTGTAGCAGTGTTGGGTGCCCAACAAATCGCACATTATCAATCTTCAGTTCAAA-3'
Protein context (NP_001070818.1, residues 94-114): VGHPTLLQHA[Leu104Met]GQISKTDPSP

ClinVar aggregate classification (germline): Uncertain significance (1 of 4 stars; one submission).

Conditions:
Epilepsy, familial focal, with variable foci 3 (FFEVF3). Identifiers: MedGen C4310708, MONDO:0014925, OMIM 617118.

Submission:

Labcorp Genetics (formerly Invitae), Labcorp
Classification: Uncertain significance for Epilepsy, familial focal, with variable foci 3. Last evaluated: 2020-01-02. Review status: criteria provided, single submitter. Criteria: Invitae Variant Classification Sherloc (09022015). Collection method: clinical testing. Allele origin: germline.
Comment: In summary, the available evidence is currently insufficient to determine the role of this variant in disease. Therefore, it has been classified as a Variant of Uncertain Significance. Algorithms developed to predict the effect of missense changes on protein structure and function are either unavailable or do not agree on the potential impact of this missense change (SIFT: "Tolerated"; PolyPhen-2: "Not Available"; Align-GVGD: "Class C0"). This variant has not been reported in the literature in individuals with NPRL3-related conditions. This variant is not present in population databases (ExAC no frequency). This sequence change replaces leucine with methionine at codon 104 of the NPRL3 protein (p.Leu104Met). The leucine residue is weakly conserved and there is a small physicochemical difference between leucine and methionine.